The following is an entry in ClinVar:

ClinVar aggregate classification (germline): Uncertain significance. Review status: criteria provided, single submitter (1 of 4 stars). 2 submissions from 2 submitters: Uncertain significance (1). 1 of the submissions does not count toward it. Last evaluated 2025-04-23.

Conditions:
PLXNA1-related disorder. Also called: PLXNA1-related condition.

Allele frequency attached by ClinVar (database versions not stated): gnomAD 0.00003; gnomAD exomes 0.00003 and 0.00007; ExAC 0.00007; TOPMed 0.00008; 1000 Genomes Project 30x 0.00016; 1000 Genomes Project 0.00020.
gnomAD v4.1: 42 of 1,613,942 alleles (0.0026%); highest among the groups gnomAD compares: Middle Eastern, 0.017%; no homozygotes.

Submissions (2):

Labcorp Genetics (formerly Invitae), Labcorp
Classification: Uncertain significance. Last evaluated: 2025-04-23. Review status: criteria provided, single submitter. Criteria: Invitae Variant Classification Sherloc (09022015). Collection method: clinical testing. Allele origin: germline.
Comment: This sequence change replaces asparagine, which is neutral and polar, with serine, which is neutral and polar, at codon 1037 of the PLXNA1 protein (p.Asn1037Ser). This variant is present in population databases (rs199506043, gnomAD 0.02%). This variant has not been reported in the literature in individuals affected with PLXNA1-related conditions. ClinVar contains an entry for this variant (Variation ID: 1350448). An algorithm developed to predict the effect of missense changes on protein structure and function (PolyPhen-2) suggests that this variant is likely to be tolerated. In summary, the available evidence is currently insufficient to determine the role of this variant in disease. Therefore, it has been classified as a Variant of Uncertain Significance.

PreventionGenetics, part of Exact Sciences
Classification: Uncertain significance for PLXNA1-related condition. Last evaluated: 2024-04-09. Review status: no assertion criteria provided. Collection method: clinical testing. Allele origin: germline. Not counted in ClinVar's aggregate classification.
Comment: The PLXNA1 c.3110A>G variant is predicted to result in the amino acid substitution p.Asn1037Ser. To our knowledge, this variant has not been reported in the literature. This variant is reported in 0.014% of alleles in individuals of Latino descent in gnomAD. At this time, the clinical significance of this variant is uncertain due to the absence of conclusive functional and genetic evidence.

NM_032242.4(PLXNA1):c.3110A>G (p.Asn1037Ser)

Gene: PLXNA1 (plexin A1; plus strand). Cytogenetic location: 3q21.3.
Variant type: single nucleotide variant.
Coding change: c.3110A>G on transcript NM_032242.4 (MANE Select); coding-DNA position 3110, A replaced by G.
Protein change: p.Asn1037Ser; replaces asparagine 1037 with serine.
Molecular consequence: missense variant.
Genome position (GRCh38, 1-based): chr3:127,016,612, A>G. VCF-style: chr3-127016612-A-G. GRCh37 (hg19) VCF-style: chr3-126735455-A-G.
Other names: c.3110A>G (NM_032242.3); short protein forms N1037S.
Identifiers: ClinVar variation 1350448 (VCV001350448.6), dbSNP rs199506043, ClinGen allele CA2593900.
Genomic context (GRCh38, chr3:127,016,612, plus strand): 5'-CCGGGCAGAGCCCTGGCAGCGCTCCCATCATCATCAACATCAACCGCGCCCAGCTCACCA[A>G]CCCTGAGGTGAAGTACAACTACACCGAGGACCCCACCATCCTGAGGATCGACCCCGAGTG-3'
Protein context (NP_115618.3, residues 1027-1047): IININRAQLT[Asn1037Ser]PEVKYNYTED